The following is an entry in ClinVar:

ClinVar aggregate classification (germline): Pathogenic (1 of 4 stars; one submission).

Submission:

Labcorp Genetics (formerly Invitae), Labcorp
Classification: Pathogenic. Last evaluated: 2022-12-31. Review status: criteria provided, single submitter. Criteria: Invitae Variant Classification Sherloc (09022015). Collection method: clinical testing. Allele origin: germline.
Comment: For these reasons, this variant has been classified as Pathogenic. This variant has not been reported in the literature in individuals affected with COL2A1-related conditions. This variant is not present in population databases (gnomAD no frequency). This sequence change creates a premature translational stop signal (p.Gly276Valfs*32) in the COL2A1 gene. It is expected to result in an absent or disrupted protein product. Loss-of-function variants in COL2A1 are known to be pathogenic (PMID: 20179744).

Literature cited by the submitters: PubMed 20179744.

NM_001844.5(COL2A1):c.827del (p.Gly276fs)

Gene: COL2A1 (collagen type II alpha 1 chain; minus strand). Cytogenetic location: 12q13.11.
Variant type: Deletion.
Coding change: c.827del on transcript NM_001844.5 (MANE Select); coding-DNA position 827, one base deleted (G; older notation c.827delG).
Protein change: p.Gly276fs; shifts the reading frame from glycine 276.
Molecular consequence: frameshift variant.
Genome position (GRCh38, 1-based): chr12:47,994,037, C deleted on the plus strand (G on the coding strand, the reverse complement: COL2A1 is on the minus strand); the first of 2 consecutive C bases (chr12:47,994,037-47,994,038); deleting either gives the same sequence. VCF-style (leftmost placement, unchanged base first): chr12-47994036-AC-A. GRCh37 (hg19) VCF-style: chr12-48387819-AC-A.
Other names: c.620del, p.Gly207fs (NM_033150.3); short protein forms G276fs, G207fs.
Identifiers: ClinVar variation 2825511 (VCV002825511.3), dbSNP rs2540169171, ClinGen allele CA2739271952.